The following is an entry in ClinVar:

NM_130837.3(OPA1):c.531_533delinsATA (p.Ser177_Leu178delinsArgTer)

Gene: OPA1 (OPA1 mitochondrial dynamin like GTPase; plus strand). Cytogenetic location: 3q29.
Variant type: Indel.
Coding change: c.531_533delinsATA on transcript NM_130837.3 (MANE Select); coding-DNA positions 531 to 533, CTT replaced by ATA.
Protein change: p.Ser177_Leu178delinsArgTer.
Molecular consequence: nonsense. On other transcripts: intron variant (5).
Genome position (GRCh38, 1-based): chr3:193,617,260-193,617,262, CTT replaced by ATA. VCF-style: chr3-193617260-CTT-ATA. GRCh37 (hg19) VCF-style: chr3-193335049-CTT-ATA.
Other names: c.159_161delinsATA, p.Ser53_Leu54delinsArgTer (NM_001354664.2); c.531_533delinsATA, p.Ser177_Leu178delinsArgTer (NM_015560.3, NM_130834.3, NM_130836.3); c.76+1490_76+1492delinsATA (NM_001354663.2); c.449-524_449-522delinsATA (NM_130835.3, NM_130832.3); c.448+1490_448+1492delinsATA (NM_130833.3, NM_130831.3).
Identifiers: ClinVar variation 214917 (VCV000214917.1), dbSNP rs863224141, ClinGen allele CA324124.

ClinVar aggregate classification (germline): Pathogenic (1 of 4 stars; one submission).

Submission:

GeneDx
Classification: Pathogenic. Last evaluated: 2013-10-29. Review status: criteria provided, single submitter. Criteria: GeneDx Variant Classification (06012015). Collection method: clinical testing. Allele origin: germline. Affected: yes.
Comment: c.531_533delinsATA: p.Ser177_Leu178delinsArgStop (S177_L178delinsRX) in exon 4 of the OPA1 gene (NM_015560.2). The sequence shown with the deleted and inserted bases in braces is: CTTAG{delCTT}{insATA}ATTG. The c.531_533delinsATA mutation in the OPA1 gene causes the deletion of two amino acids: Serine 177 and Leucine 178, and the insertion of an Arginine at codon 177 and a Stop codon at position 178, denoted p.Ser177_Leu178delinsArgStop. This mutation is predicted to cause loss of normal protein function either through protein truncation or nonsense-mediated mRNA decay. Although this mutation has not been previously reported to our knowledge, it is expected to be a pathogenic mutation. The variant is found in MITONUC-MITOP panel(s).